The following is an entry in ClinVar:

NM_004973.4(JARID2):c.893A>G (p.Asp298Gly)

Gene: JARID2 (jumonji and AT-rich interaction domain containing 2; plus strand). Cytogenetic location: 6p22.3.
Variant type: single nucleotide variant.
Coding change: c.893A>G on transcript NM_004973.4 (MANE Select); coding-DNA position 893, A replaced by G.
Protein change: p.Asp298Gly; replaces aspartic acid 298 with glycine.
Molecular consequence: missense variant.
Genome position (GRCh38, 1-based): chr6:15,487,529, A>G. VCF-style: chr6-15487529-A-G. GRCh37 (hg19) VCF-style: chr6-15487760-A-G.
Other names: c.377A>G, p.Asp126Gly (NM_001267040.1); short protein forms D126G, D298G.
Identifiers: ClinVar variation 4071913 (VCV004071913.1).

ClinVar aggregate classification (germline): Uncertain significance (1 of 4 stars; one submission).

Submission:

GeneDx
Classification: Uncertain significance. Last evaluated: 2025-01-28. Review status: criteria provided, single submitter. Criteria: GeneDx Variant Classification Process June 2021. Collection method: clinical testing. Allele origin: germline. Affected: yes.
Comment: Not observed at significant frequency in large population cohorts (gnomAD); In silico analysis indicates that this missense variant does not alter protein structure/function; Has not been previously published as pathogenic or benign to our knowledge